The following is an entry in ClinVar:

NM_006269.2(RP1):c.951T>A (p.Asp317Glu)

Gene: RP1 (RP1 axonemal microtubule associated; plus strand). Cytogenetic location: 8q12.1.
Variant type: single nucleotide variant.
Coding change: c.951T>A on transcript NM_006269.2 (MANE Select); coding-DNA position 951, T replaced by A.
Protein change: p.Asp317Glu; replaces aspartic acid 317 with glutamic acid.
Molecular consequence: missense variant. On other transcripts: intron variant (1).
Genome position (GRCh38, 1-based): chr8:54,624,833, T>A. VCF-style: chr8-54624833-T-A. GRCh37 (hg19) VCF-style: chr8-55537393-T-A.
Other names: c.787+2545T>A (NM_001375654.1); short protein forms D317E.
Identifiers: ClinVar variation 839222 (VCV000839222.9), dbSNP rs1805982801, ClinGen allele CA370988949.

ClinVar aggregate classification (germline): Uncertain significance (1 of 4 stars; one submission).

Allele frequency attached by ClinVar (database versions not stated): TOPMed 0.00003.

Submission:

Labcorp Genetics (formerly Invitae), Labcorp
Classification: Uncertain significance. Last evaluated: 2023-09-27. Review status: criteria provided, single submitter. Criteria: Invitae Variant Classification Sherloc (09022015). Collection method: clinical testing. Allele origin: germline.
Comment: An algorithm developed to predict the effect of missense changes on protein structure and function (PolyPhen-2) suggests that this variant is likely to be disruptive. In summary, the available evidence is currently insufficient to determine the role of this variant in disease. Therefore, it has been classified as a Variant of Uncertain Significance. ClinVar contains an entry for this variant (Variation ID: 839222). This sequence change replaces aspartic acid, which is acidic and polar, with glutamic acid, which is acidic and polar, at codon 317 of the RP1 protein (p.Asp317Glu). This variant is not present in population databases (gnomAD no frequency). This missense change has been observed in individual(s) with clinical features of RP1-related conditions (Invitae).